The following is an entry in ClinVar:

NM_004329.3(BMPR1A):c.559CGT[1] (p.Arg188del)

Gene: BMPR1A (bone morphogenetic protein receptor type 1A; plus strand). Cytogenetic location: 10q23.2.
Variant type: Microsatellite.
Coding change: c.559CGT[1] on transcript NM_004329.3 (MANE Select); one copy of the 3-base unit CGT starting at c.559; the reference has two copies in a row; one copy, 3 bases deleted.
Protein change: p.Arg188del; deletes arginine 188.
Molecular consequence: inframe deletion.
Genome position (GRCh38, 1-based): chr10:86,912,271-86,912,273, CGT deleted; deleting any 3 consecutive bases within chr10:86,912,268-86,912,273 gives the same sequence; the position shown is the placement nearest the transcript's 3' end. VCF-style (leftmost placement, unchanged base first): chr10-86912267-ACGT-A. GRCh37 (hg19) VCF-style: chr10-88672024-ACGT-A.
Other names: c.562_564delCGT (NM_004329.2); short protein forms R188del.
Identifiers: ClinVar variation 460504 (VCV000460504.10), dbSNP rs751105749, ClinGen allele CA5585554.

ClinVar aggregate classification (germline): Uncertain significance (1 of 4 stars; one submission).

Conditions:
Juvenile polyposis syndrome (JPS). Identifiers: Orphanet 2929, MedGen C0345893, MONDO:0017380, OMIM 174900.

Submission:

Labcorp Genetics (formerly Invitae), Labcorp
Classification: Uncertain significance for Juvenile polyposis syndrome. Last evaluated: 2024-12-26. Review status: criteria provided, single submitter. Criteria: Invitae Variant Classification Sherloc (09022015). Collection method: clinical testing. Allele origin: germline.
Comment: This variant, c.562_564del, results in the deletion of 1 amino acid(s) of the BMPR1A protein (p.Arg188del), but otherwise preserves the integrity of the reading frame. This variant is present in population databases (rs751105749, gnomAD 0.004%). This variant has not been reported in the literature in individuals affected with BMPR1A-related conditions. Experimental studies and prediction algorithms are not available or were not evaluated, and the functional significance of this variant is currently unknown. In summary, the available evidence is currently insufficient to determine the role of this variant in disease. Therefore, it has been classified as a Variant of Uncertain Significance.